The following is an entry in ClinVar:

ClinVar aggregate classification (germline): Uncertain significance. Review status: criteria provided, multiple submitters, no conflicts (2 of 4 stars). 2 submissions from 2 submitters: Uncertain significance (2). Last evaluated 2023-06-20.

Conditions:
Hypertrophic cardiomyopathy. Also called: HYPERTROPHIC MYOCARDIOPATHY. Identifiers: Orphanet 217569, MedGen C0007194, MeSH D002312, MONDO:0005045, HP:0001639.
Cardiovascular phenotype. Identifiers: MedGen CN230736.

Submissions (2):

Labcorp Genetics (formerly Invitae), Labcorp
Classification: Uncertain significance for Hypertrophic cardiomyopathy. Last evaluated: 2023-06-20. Review status: criteria provided, single submitter. Criteria: Invitae Variant Classification Sherloc (09022015). Collection method: clinical testing. Allele origin: germline.
Comment: ClinVar contains an entry for this variant (Variation ID: 519050). In summary, the available evidence is currently insufficient to determine the role of this variant in disease. Therefore, it has been classified as a Variant of Uncertain Significance. This variant disrupts the p.Asn479 amino acid residue in MYH7. Other variant(s) that disrupt this residue have been determined to be pathogenic (PMID: 12707239, 12820698, 27532257, 28356264). This suggests that this residue is clinically significant, and that variants that disrupt this residue are likely to be disease-causing. Advanced modeling of protein sequence and biophysical properties (such as structural, functional, and spatial information, amino acid conservation, physicochemical variation, residue mobility, and thermodynamic stability) performed at Invitae indicates that this missense variant is expected to disrupt MYH7 protein function. This variant has not been reported in the literature in individuals affected with MYH7-related conditions. This variant is not present in population databases (gnomAD no frequency). This sequence change replaces asparagine, which is neutral and polar, with aspartic acid, which is acidic and polar, at codon 479 of the MYH7 protein (p.Asn479Asp).

Ambry Genetics
Classification: Uncertain significance for Cardiovascular phenotype. Last evaluated: 2017-12-11. Review status: criteria provided, single submitter. Criteria: Ambry Variant Classification Scheme 2023. Collection method: clinical testing. Allele origin: germline.
Comment: The p.N479D variant (also known as c.1435A>G), located in coding exon 13 of the MYH7 gene, results from an A to G substitution at nucleotide position 1435. The asparagine at codon 479 is replaced by aspartic acid, an amino acid with highly similar properties. Other alterations affecting the same amino acid, p.N479S (c.1436A>G) and p.N479T (c.1436A>C), have been reported in association with hypertrophic cardiomyopathy (HCM) (Richard P et al. Circulation, 2003 May;107:2227-32; Mook OR et al. J. Med. Genet., 2013 Sep;50:614-26). This amino acid position is highly conserved in available vertebrate species. In addition, this alteration is predicted to be deleterious by in silico analysis. Since supporting evidence is limited at this time, the clinical significance of this alteration remains unclear.

Literature cited by the submitters: PubMed 12707239 (cited by Labcorp Genetics (formerly Invitae), Labcorp and Ambry Genetics); PubMed 12820698 (cited by Labcorp Genetics (formerly Invitae), Labcorp); PubMed 27532257 (cited by Labcorp Genetics (formerly Invitae), Labcorp); PubMed 28356264 (cited by Labcorp Genetics (formerly Invitae), Labcorp); PubMed 23785128 (cited by Ambry Genetics).

NM_000257.4(MYH7):c.1435A>G (p.Asn479Asp)

Gene: MYH7 (myosin heavy chain 7; minus strand). Cytogenetic location: 14q11.2.
Variant type: single nucleotide variant.
Coding change: c.1435A>G on transcript NM_000257.4 (MANE Select); coding-DNA position 1435, A replaced by G.
Protein change: p.Asn479Asp; replaces asparagine 479 with aspartic acid.
Molecular consequence: missense variant.
Genome position (GRCh38, 1-based): chr14:23,428,643, T>C on the plus strand (A>G on the coding strand, the complement: MYH7 is on the minus strand). VCF-style: chr14-23428643-T-C. GRCh37 (hg19) VCF-style: chr14-23897852-T-C.
Other names: c.1435A>G (LRG_384t1); short protein forms N479D.
Identifiers: ClinVar variation 519050 (VCV000519050.8), dbSNP rs1555338261, ClinGen allele CA389050610.
Genomic context (GRCh38, chr14:23,428,643, plus strand): 5'-CCTGCTCCAGCACAAACATGTGGTGGTTGAAGAACTGCTGCAGCTTCTCGTTGGTGAAGT[T>C]GATGCAGAGCTGCTCAAAGCTGTTGAACTGCAGGGGGCATGAGGGGTGGGAGCAGTCAGA-3'
Protein context (NP_000248.2, residues 469-489): DFNSFEQLCI[Asn479Asp]FTNEKLQQFF